The following is an entry in ClinVar:

ClinVar aggregate classification (germline): Benign. Review status: criteria provided, multiple submitters, no conflicts (2 of 4 stars). 3 submissions from 3 submitters: Benign (3). Last evaluated 2021-05-15.

Conditions:
Wolcott-Rallison dysplasia. Also called: MED-IDDM SYNDROME; Wolcott-Rallison syndrome. Identifiers: Orphanet 1667, MedGen C0432217, MONDO:0009192, OMIM 226980.

Allele frequency attached by ClinVar (database versions not stated): 1000 Genomes Project 30x 0.01530; 1000 Genomes Project 0.01577; TOPMed 0.02048; gnomAD 0.02224 and 0.02228; gnomAD exomes 0.02702.
gnomAD v4.1: 20,114 of 774,002 alleles (2.6%); highest among the groups gnomAD compares: Admixed American, 4.2%; 330 homozygotes.

Submissions (3):

GeneDx
Classification: Benign. Last evaluated: 2021-05-15. Review status: criteria provided, single submitter. Criteria: GeneDx Variant Classification Process June 2021. Collection method: clinical testing. Allele origin: germline. Affected: yes.

Illumina Laboratory Services, Illumina
Classification: Benign for Wolcott-Rallison dysplasia. Last evaluated: 2018-01-13. Review status: criteria provided, single submitter. Criteria: ICSL Variant Classification Criteria 13 December 2019. Collection method: clinical testing. Allele origin: germline.
Comment: This variant was observed in the ICSL laboratory as part of a predisposition screen in an ostensibly healthy population. It had not been previously curated by ICSL or reported in the Human Gene Mutation Database (HGMD: prior to June 1st, 2018), and was therefore a candidate for classification through an automated scoring system. Utilizing variant allele frequency, disease prevalence and penetrance estimates, and inheritance mode, an automated score was calculated to assess if this variant is too frequent to cause the disease. Based on the score and internal cut-off values, a variant classified as benign is not then subjected to further curation. The score for this variant resulted in a classification of benign for this disease.

Breakthrough Genomics
Classification: Benign. Review status: criteria provided, single submitter. Criteria: ACMG Guidelines, 2015. Collection method: not provided. Allele origin: germline. Inheritance: Autosomal recessive inheritance. Affected: yes.

NM_004836.7(EIF2AK3):c.-172C>T

Gene: EIF2AK3 (eukaryotic translation initiation factor 2 alpha kinase 3; minus strand). Cytogenetic location: 2p11.2.
Variant type: single nucleotide variant.
Coding change: c.-172C>T on transcript NM_004836.7 (MANE Select); 172 bases upstream of the start codon, C replaced by T.
Molecular consequence: 5 prime UTR variant.
Genome position (GRCh38, 1-based): chr2:88,627,446, G>A on the plus strand (C>T on the coding strand, the complement: EIF2AK3 is on the minus strand). VCF-style: chr2-88627446-G-A. GRCh37 (hg19) VCF-style: chr2-88926964-G-A.
Identifiers: ClinVar variation 337424 (VCV000337424.8), dbSNP rs71414432, ClinGen allele CA10616329.